The following is an entry in ClinVar:

ClinVar aggregate classification (germline): Likely benign. Review status: criteria provided, multiple submitters, no conflicts (2 of 4 stars). 3 submissions from 3 submitters: Likely benign (2). 1 of the submissions does not count toward it. Last evaluated 2025-02-23.

Conditions:
JAG1-related disorder. Also called: JAG1-related condition; JAG1-related disorders.
Cardiovascular phenotype. Identifiers: MedGen CN230736.
Alagille syndrome due to a JAG1 point mutation. Also called: JAG1-Related Alagille Syndrome; HEPATIC DUCTULAR HYPOPLASIA, SYNDROMATIC; Alagille Syndrome 1. Identifiers: Orphanet 261619, Orphanet 52, MedGen C1956125, MONDO:0016862, OMIM 118450.

Allele frequency attached by ClinVar (database versions not stated): TOPMed 0.00002; gnomAD 0.00003.
gnomAD v4.1: 5 of 1,612,732 alleles (0.00031%); highest among the groups gnomAD compares: African/African-American, 0.0053%; no homozygotes.

Submissions (3):

Ambry Genetics
Classification: Likely benign for Cardiovascular phenotype. Last evaluated: 2025-02-23. Review status: criteria provided, single submitter. Criteria: Ambry Variant Classification Scheme 2023. Collection method: clinical testing. Allele origin: germline.

Labcorp Genetics (formerly Invitae), Labcorp
Classification: Likely benign for Alagille syndrome due to a JAG1 point mutation. Last evaluated: 2023-06-24. Review status: criteria provided, single submitter. Criteria: Invitae Variant Classification Sherloc (09022015). Collection method: clinical testing. Allele origin: germline.

PreventionGenetics, part of Exact Sciences
Classification: Likely benign for JAG1-related condition. Last evaluated: 2023-06-20. Review status: no assertion criteria provided. Collection method: clinical testing. Allele origin: germline. Not counted in ClinVar's aggregate classification.
Comment: This variant is classified as likely benign based on ACMG/AMP sequence variant interpretation guidelines (Richards et al. 2015 PMID: 25741868, with internal and published modifications).

NM_000214.3(JAG1):c.135G>T (p.Val45=)

Gene: JAG1 (jagged canonical Notch ligand 1; minus strand). Cytogenetic location: 20p12.2.
Variant type: single nucleotide variant.
Coding change: c.135G>T on transcript NM_000214.3 (MANE Select); coding-DNA position 135, G replaced by T.
Protein change: p.Val45=; no amino-acid change (valine 45 retained).
Molecular consequence: synonymous variant.
Genome position (GRCh38, 1-based): chr20:10,672,953, C>A on the plus strand (G>T on the coding strand, the complement: JAG1 is on the minus strand). VCF-style: chr20-10672953-C-A. GRCh37 (hg19) VCF-style: chr20-10653601-C-A.
Other names: c.135G>T (NM_000214.2).
Identifiers: ClinVar variation 2960272 (VCV002960272.6), dbSNP rs1193959313, ClinGen allele CA509816630.